The following is an entry in ClinVar:

ClinVar aggregate classification (germline): Uncertain significance. Review status: criteria provided, multiple submitters, no conflicts (2 of 4 stars). 2 submissions from 2 submitters: Uncertain significance (2). Last evaluated 2022-12-30.

Conditions:
Epilepsy, familial focal, with variable foci 1 (FFEVF1). Also called: DEPDC5-Related Epilepsy. Identifiers: MedGen C4551983, MONDO:0024556, OMIM 604364.
Familial focal epilepsy with variable foci (FPEVF). Identifiers: Orphanet 98820, MedGen C1858477, MONDO:0020310.

gnomAD v4.1: 4 of 1,614,146 alleles (0.00025%); highest among the groups gnomAD compares: South Asian, 0.0033%; no homozygotes.

Submissions (2):

Labcorp Genetics (formerly Invitae), Labcorp
Classification: Uncertain significance for Familial focal epilepsy with variable foci. Last evaluated: 2022-12-30. Review status: criteria provided, single submitter. Criteria: Invitae Variant Classification Sherloc (09022015). Collection method: clinical testing. Allele origin: germline.
Comment: ClinVar contains an entry for this variant (Variation ID: 957690). This variant has not been reported in the literature in individuals affected with DEPDC5-related conditions. This variant is present in population databases (no rsID available, gnomAD 0.003%). This sequence change replaces serine, which is neutral and polar, with threonine, which is neutral and polar, at codon 547 of the DEPDC5 protein (p.Ser547Thr). Algorithms developed to predict the effect of missense changes on protein structure and function are either unavailable or do not agree on the potential impact of this missense change (SIFT: "Tolerated"; PolyPhen-2: "Not Available"; Align-GVGD: "Class C0"). In summary, the available evidence is currently insufficient to determine the role of this variant in disease. Therefore, it has been classified as a Variant of Uncertain Significance.

New York Genome Center
Classification: Uncertain significance for Epilepsy, familial focal, with variable foci 1. Last evaluated: 2019-10-11. Review status: criteria provided, single submitter. Criteria: NYGC Assertion Criteria 2020. Collection method: clinical testing. Allele origin: maternal. Inheritance: Autosomal dominant inheritance. Observed: 1 heterozygote. Study: CSER-NYCKidSeq. Segregation with disease not observed.

NM_001242896.3(DEPDC5):c.1640G>C (p.Ser547Thr)

Gene: DEPDC5 (DEP domain containing 5, GATOR1 subcomplex subunit; plus strand). Cytogenetic location: 22q12.3.
Variant type: single nucleotide variant.
Coding change: c.1640G>C on transcript NM_001242896.3 (MANE Select); coding-DNA position 1640, G replaced by C.
Protein change: p.Ser547Thr; replaces serine 547 with threonine.
Molecular consequence: missense variant. On other transcripts: non-coding transcript variant (5).
Genome position (GRCh38, 1-based): chr22:31,815,186, G>C. VCF-style: chr22-31815186-G-C. GRCh37 (hg19) VCF-style: chr22-32211172-G-C.
Other names: c.1640G>C, p.Ser547Thr (NM_001364319.2, NM_001364320.2, NM_001007188.4 and 7 more transcripts); c.1556G>C, p.Ser519Thr (NM_001369901.1, NM_001369902.1); short protein forms S519T, S547T.
Identifiers: ClinVar variation 957690 (VCV000957690.10), dbSNP rs1483477312, ClinGen allele CA411278508.